The following is an entry in ClinVar:

NM_001369.3(DNAH5):c.2964_2965del (p.Thr990fs)

Genes: DNAH5-AS1 (DNAH5 antisense RNA 1; plus strand), DNAH5 (dynein axonemal heavy chain 5; minus strand). Cytogenetic location: 5p15.2.
Variant type: Microsatellite.
Coding change: c.2964_2965del on transcript NM_001369.3 (MANE Select); coding-DNA positions 2964 to 2965, 2 bases deleted (TC; older notation c.2964_2965delTC).
Protein change: p.Thr990fs; shifts the reading frame from threonine 990.
Molecular consequence: frameshift variant.
Genome position (GRCh38, 1-based): chr5:13,885,007-13,885,008, GA deleted on the plus strand (TC on the coding strand, the reverse complement: DNAH5 is on the minus strand); deleting any 2 consecutive bases within chr5:13,885,007-13,885,011 gives the same sequence; the c. name uses the placement nearest the transcript's 3' end. VCF-style (leftmost placement, unchanged base first): chr5-13885006-TGA-T. GRCh37 (hg19) VCF-style: chr5-13885115-TGA-T.
Other names: short protein forms T990fs.
Identifiers: ClinVar variation 4814877 (VCV004814877.1).

ClinVar aggregate classification (germline): Pathogenic (1 of 4 stars; one submission).

Conditions:
Primary ciliary dyskinesia. Also called: Ciliary dyskinesia. Identifiers: Orphanet 244, MedGen C0008780, MONDO:0016575, HP:0012265.

Submission:

Natera, Inc.
Classification: Pathogenic for Primary ciliary dyskinesia. Last evaluated: 2025-12-17. Review status: criteria provided, single submitter. Criteria: Natera Variant Classification Schema (03/2026). Collection method: clinical testing. Allele origin: germline.
Comment: The c.2964_2965del variant in DNAH5 is a frameshift variant predicted to shift the reading frame beginning at codon 990 and leads to a stop codon 2 codons downstream. This variant is expected to result in nonsense mediated decay, truncation, or a dysfunctional protein product. This variant is rare in the general population with a frequency below the threshold expected for the associated phenotype(s). This variant has been observed in one or more individuals affected with the associated recessive disease, as either homozygous or compound heterozygous with a second variant (PMID: 31650533). Given the available evidence, this variant is classified as Pathogenic.

Literature cited by the submitters: PubMed 31650533.